The following is an entry in ClinVar:

NM_004360.5(CDH1):c.2281G>A (p.Gly761Arg)

Gene: CDH1 (cadherin 1; plus strand). Cytogenetic location: 16q22.1.
Variant type: single nucleotide variant.
Coding change: c.2281G>A on transcript NM_004360.5 (MANE Select); coding-DNA position 2281, G replaced by A.
Protein change: p.Gly761Arg; replaces glycine 761 with arginine.
Molecular consequence: missense variant.
Genome position (GRCh38, 1-based): chr16:68,828,290, G>A. VCF-style: chr16-68828290-G-A. GRCh37 (hg19) VCF-style: chr16-68862193-G-A.
Other names: c.2281G>A (LRG_301t1); c.2098G>A, p.Gly700Arg (NM_001317184.2); c.733G>A, p.Gly245Arg (NM_001317185.2); c.316G>A, p.Gly106Arg (NM_001317186.2); short protein forms G761R, G106R, G245R, G700R.
Identifiers: ClinVar variation 406676 (VCV000406676.25), dbSNP rs779648243, ClinGen allele CA8130238.

ClinVar aggregate classification (germline): Uncertain significance. Review status: reviewed by expert panel (3 of 4 stars). 8 submissions from 8 submitters: Uncertain significance (1). 7 of the submissions do not count toward it. Last evaluated 2023-08-21.
ClinVar aggregate classification (oncogenicity): Uncertain significance (1 of 4 stars; one submission).

Conditions:
CDH1-related diffuse gastric and lobular breast cancer syndrome. Also called: CDH1-related diffuse gastric and lobular breast cancer. Identifiers: MedGen CN311521, MONDO:0100488.
Hereditary cancer-predisposing syndrome. Also called: Hereditary neoplastic syndrome; Tumor predisposition; Neoplastic Syndromes, Hereditary; Hereditary Cancer Syndrome. Identifiers: Orphanet 140162, MedGen C0027672, MeSH D009386, MONDO:0015356.
Hereditary diffuse gastric adenocarcinoma (HDGC). Also called: DIFFUSE GASTRIC AND LOBULAR BREAST CANCER SYNDROME. Identifiers: Orphanet 26106, MedGen C1708349, MONDO:0007648, OMIM 137215.
Familial cancer of breast. Also called: hereditary breast carcinoma; Hereditary breast cancer; BREAST CANCER, FAMILIAL. Identifiers: Orphanet 227535, MedGen C0346153, MONDO:0016419, OMIM 114480. Disease mechanism: loss of function.
Neoplasm. Also called: Neoplasms; Neoplasm (disease); tumor. Identifiers: MedGen C0027651, MeSH D009369, MONDO:0005070, HP:0002664.

Allele frequency attached by ClinVar (database versions not stated): TOPMed below 0.00001; gnomAD exomes 0.00001; ExAC 0.00002.
gnomAD v4.1: 12 of 1,614,080 alleles (0.00074%); highest among the groups gnomAD compares: South Asian, 0.0033%; no homozygotes.

Submissions (9):

Clingen Gastric Cancer Variant Curation Expert Panel
Classification: Uncertain significance for CDH1-related diffuse gastric and lobular breast cancer syndrome. Last evaluated: 2023-08-21. Review status: reviewed by expert panel. Criteria: ClinGen CDH1 ACMG Specifications V3.1. Collection method: curation. Allele origin: germline. Inheritance: Autosomal dominant inheritance.
Comment: The c.2281G>A (p.Gly761Arg) variant has an allele frequency of 0.00006 (0.006%, 1/16,256 alleles) in the African gnomAD subpopulation. The variant has been identified in at least two families that meet HDGC clinical criteria (PS4_Moderate; internal laboratory collaborators). The variant has also been seen in three individuals without DCG, SRC tumors, or LBC & whose families do not suggest HDGC (internal laboratory collaborators); however, BS2 is not applied since more than 30% of reported individuals/family meet HDGC criteria. . In summary, the clinical significance of this variant is uncertain. ACMG/AMP criteria applied, as specified by the CDH1 Variant Curation Expert Panel (Variant Interpretation Guidelines Version 3.1): PS4_Moderate.

Center for Genomic Medicine, Rigshospitalet, Copenhagen University Hospital
Classification: Uncertain significance for Neoplasm. Last evaluated: 2026-10-16. Review status: criteria provided, single submitter. Criteria: ClinGen/CGC/VICC Guidelines for Oncogenicity, 2022. Collection method: clinical testing. Allele origin: somatic. Affected: yes.

Labcorp Genetics (formerly Invitae), Labcorp
Classification: Uncertain significance for Hereditary diffuse gastric adenocarcinoma. Last evaluated: 2025-02-25. Review status: criteria provided, single submitter. Criteria: Invitae Variant Classification Sherloc (09022015). Collection method: clinical testing. Allele origin: germline. Not counted in ClinVar's aggregate classification.
Comment: This sequence change replaces glycine, which is neutral and non-polar, with arginine, which is basic and polar, at codon 761 of the CDH1 protein (p.Gly761Arg). This variant is present in population databases (rs779648243, gnomAD 0.007%). This missense change has been observed in individuals with clinical features of CDH1-related conditions (PMID: 35327954, 36436516, 36468602; internal data). This variant is also known as c.2098G>A (p.Gly700Arg). ClinVar contains an entry for this variant (Variation ID: 406676). An algorithm developed to predict the effect of missense changes on protein structure and function (PolyPhen-2) suggests that this variant is likely to be disruptive. Studies have shown that this missense change alters CDH1 gene expression (PMID: 35327954). In summary, the available evidence is currently insufficient to determine the role of this variant in disease. Therefore, it has been classified as a Variant of Uncertain Significance.

Baylor Genetics
Classification: Uncertain significance for Familial cancer of breast. Last evaluated: 2024-03-24. Review status: criteria provided, single submitter. Criteria: ACMG Guidelines, 2015. Collection method: clinical testing. Allele origin: unknown. Not counted in ClinVar's aggregate classification.

Ambry Genetics
Classification: Uncertain significance for Hereditary cancer-predisposing syndrome. Last evaluated: 2024-03-06. Review status: criteria provided, single submitter. Criteria: Ambry Variant Classification Scheme 2023. Collection method: clinical testing. Allele origin: germline. Not counted in ClinVar's aggregate classification.
Comment: The p.G761R variant (also known as c.2281G>A), located in coding exon 14 of the CDH1 gene, results from a G to A substitution at nucleotide position 2281. The glycine at codon 761 is replaced by arginine, an amino acid with dissimilar properties. This alteration has been reported in 0/7051 unselected breast cancer patients and 1/11241 female controls of Japanese ancestry (Momozawa Y et al. Nat Commun. 2018 10;9:4083). This amino acid position is highly conserved in available vertebrate species. In addition, this alteration is predicted to be deleterious by in silico analysis. Based on the available evidence, the clinical significance of this alteration remains unclear.

Myriad Genetics, Inc.
Classification: Uncertain significance for Hereditary diffuse gastric adenocarcinoma. Last evaluated: 2023-03-03. Review status: criteria provided, single submitter. Criteria: Myriad Autosomal Dominant, Autosomal Recessive and X-Linked Classification Criteria (2023). Collection method: clinical testing. Allele origin: unknown. Not counted in ClinVar's aggregate classification.
Comment: This variant is classified as a variant of uncertain significance as there is insufficient evidence to determine its impact on protein function and/or cancer risk.

European Reference Network on Genetic Tumour Risk Syndromes (ERN-GENTURIS), i3s - Instituto de Investigação e Inovação em Saúde, University of Porto
Classification: Uncertain significance for Hereditary diffuse gastric adenocarcinoma. Last evaluated: 2022-08-01. Review status: criteria provided, single submitter. Criteria: Lee et al. (Hum Mutat. 2018). Collection method: clinical testing. Allele origin: germline. Inheritance: Autosomal dominant inheritance. Affected: yes. Study: ERN GENTURIS. Not counted in ClinVar's aggregate classification.
Comment: PS4_Moderate; BS2_Supporting (PMID: 30311375)

Color Diagnostics, LLC DBA Color Health
Classification: Uncertain significance for Hereditary cancer-predisposing syndrome. Last evaluated: 2019-04-11. Review status: criteria provided, single submitter. Criteria: ACMG Guidelines, 2015. Collection method: clinical testing. Allele origin: germline. Not counted in ClinVar's aggregate classification.

Counsyl
Classification: Uncertain significance for Hereditary diffuse gastric adenocarcinoma. Last evaluated: 2018-03-12. Review status: no assertion criteria provided. Collection method: clinical testing. Allele origin: unknown. Not counted in ClinVar's aggregate classification.

Literature cited by the submitters: PubMed 35327954 (cited by Labcorp Genetics (formerly Invitae), Labcorp and Ambry Genetics); PubMed 36436516 (cited by Labcorp Genetics (formerly Invitae), Labcorp and European Reference Network on Genetic Tumour Risk Syndromes (ERN-GENTURIS), i3s - Instituto de Investigação e Inovação em Saúde, University of Porto); PubMed 36468602 (cited by Labcorp Genetics (formerly Invitae), Labcorp); PubMed 30287823 (cited by Ambry Genetics).